The following is an entry in ClinVar:

ClinVar aggregate classification (germline): Uncertain significance. Review status: criteria provided, multiple submitters, no conflicts (2 of 4 stars). 2 submissions from 2 submitters: Uncertain significance (2). Last evaluated 2024-07-20.

Conditions:
Donnai-Barrow syndrome. Also called: DBS/FOAR SYNDROME; FACIOOCULOACOUSTICORENAL SYNDROME. Identifiers: Orphanet 2143, MedGen C1857277, MONDO:0009104, OMIM 222448.

Allele frequency attached by ClinVar (database versions not stated): gnomAD exomes 0.00001; TOPMed 0.00001; ExAC 0.00002.
gnomAD v4.1: 20 of 1,613,740 alleles (0.0012%); highest among the groups gnomAD compares: East Asian, 0.0022%; no homozygotes.

Submissions (2):

Labcorp Genetics (formerly Invitae), Labcorp
Classification: Uncertain significance. Last evaluated: 2024-07-20. Review status: criteria provided, single submitter. Criteria: Invitae Variant Classification Sherloc (09022015). Collection method: clinical testing. Allele origin: germline.
Comment: This sequence change replaces arginine, which is basic and polar, with cysteine, which is neutral and slightly polar, at codon 1521 of the LRP2 protein (p.Arg1521Cys). This variant is present in population databases (rs755634495, gnomAD 0.003%). This variant has not been reported in the literature in individuals affected with LRP2-related conditions. ClinVar contains an entry for this variant (Variation ID: 332171). Advanced modeling of protein sequence and biophysical properties (such as structural, functional, and spatial information, amino acid conservation, physicochemical variation, residue mobility, and thermodynamic stability) performed at Invitae indicates that this missense variant is not expected to disrupt LRP2 protein function with a negative predictive value of 80%. In summary, the available evidence is currently insufficient to determine the role of this variant in disease. Therefore, it has been classified as a Variant of Uncertain Significance.

Illumina Laboratory Services, Illumina
Classification: Uncertain significance for Donnai-Barrow syndrome. Last evaluated: 2018-01-12. Review status: criteria provided, single submitter. Criteria: ICSL Variant Classification Criteria 13 December 2019. Collection method: clinical testing. Allele origin: germline.

NM_004525.3(LRP2):c.4561C>T (p.Arg1521Cys)

Gene: LRP2 (LDL receptor related protein 2; minus strand). Cytogenetic location: 2q31.1.
Variant type: single nucleotide variant.
Coding change: c.4561C>T on transcript NM_004525.3 (MANE Select); coding-DNA position 4561, C replaced by T.
Protein change: p.Arg1521Cys; replaces arginine 1521 with cysteine.
Molecular consequence: missense variant.
Genome position (GRCh38, 1-based): chr2:169,237,233, G>A on the plus strand (C>T on the coding strand, the complement: LRP2 is on the minus strand). VCF-style: chr2-169237233-G-A. GRCh37 (hg19) VCF-style: chr2-170093743-G-A.
Other names: short protein forms R1521C.
Identifiers: ClinVar variation 332171 (VCV000332171.8), dbSNP rs755634495, ClinGen allele CA1954773.
Genomic context (GRCh38, chr2:169,237,233, plus strand): 5'-TCCCATCAATTTTGGAGACTTCAATTGTTTCCAGAGCATAGTCTGTCCAGTAAAGATTAC[G>A]ACCTACCCAATCTATTGCAATAGTTTCAGTCAAGATGATGCTACTGTCAAATACCTAAAG-3'
Protein context (NP_004516.2, residues 1511-1531): TETIAIDWVG[Arg1521Cys]NLYWTDYALE